The following is an entry in ClinVar:

NM_000179.3(MSH6):c.2367T>C (p.Asn789=)

Gene: MSH6 (mutS homolog 6; plus strand). Cytogenetic location: 2p16.3.
Variant type: single nucleotide variant.
Coding change: c.2367T>C on transcript NM_000179.3 (MANE Select); coding-DNA position 2367, T replaced by C.
Protein change: p.Asn789=; no amino-acid change (asparagine 789 retained).
Molecular consequence: synonymous variant.
Genome position (GRCh38, 1-based): chr2:47,800,350, T>C. VCF-style: chr2-47800350-T-C. GRCh37 (hg19) VCF-style: chr2-48027489-T-C.
Other names: c.1977T>C, p.Asn659= (NM_001281492.2); c.1461T>C, p.Asn487= (NM_001281493.2, NM_001281494.2).
Identifiers: ClinVar variation 416131 (VCV000416131.14), dbSNP rs1060504738, ClinGen allele CA16611148.

ClinVar aggregate classification (germline): Benign/Likely benign. Review status: criteria provided, multiple submitters, no conflicts (2 of 4 stars). 3 submissions from 3 submitters: Benign (1); Likely benign (2). Last evaluated 2025-02-08.

Conditions:
Hereditary nonpolyposis colorectal neoplasms. Identifiers: MedGen C0009405, MeSH D003123.
Lynch syndrome 5 (LYNCH5). Also called: Colorectal cancer, hereditary nonpolyposis, type 5; Hereditary non-polyposis colorectal cancer, type 5. Identifiers: Orphanet 144, MedGen C1833477, MONDO:0013710, OMIM 614350. Disease mechanism: loss of function.
Hereditary cancer-predisposing syndrome. Also called: Tumor predisposition; Neoplastic Syndromes, Hereditary; Hereditary neoplastic syndrome; Hereditary Cancer Syndrome. Identifiers: Orphanet 140162, MedGen C0027672, MeSH D009386, MONDO:0015356.

Submissions (3):

Ambry Genetics
Classification: Likely benign for Hereditary cancer-predisposing syndrome. Last evaluated: 2025-02-08. Review status: criteria provided, single submitter. Criteria: Ambry Variant Classification Scheme 2023. Collection method: clinical testing. Allele origin: germline.

Myriad Genetics, Inc.
Classification: Benign for Lynch syndrome 5. Last evaluated: 2024-12-31. Review status: criteria provided, single submitter. Criteria: Myriad Autosomal Dominant, Autosomal Recessive and X-Linked Classification Criteria (2023). Collection method: clinical testing. Allele origin: unknown.
Comment: This variant is considered benign. This variant is a silent/synonymous amino acid change and it is not expected to impact splicing.

Labcorp Genetics (formerly Invitae), Labcorp
Classification: Likely benign for Hereditary nonpolyposis colorectal neoplasms. Last evaluated: 2024-07-28. Review status: criteria provided, single submitter. Criteria: Invitae Variant Classification Sherloc (09022015). Collection method: clinical testing. Allele origin: germline.